The following is an entry in ClinVar:

NM_001128840.3(CACNA1D):c.2072T>C (p.Phe691Ser)

Gene: CACNA1D (calcium voltage-gated channel subunit alpha1 D; plus strand). Cytogenetic location: 3p21.1.
Variant type: single nucleotide variant.
Coding change: c.2072T>C on transcript NM_001128840.3 (MANE Select); coding-DNA position 2072, T replaced by C.
Protein change: p.Phe691Ser; replaces phenylalanine 691 with serine.
Molecular consequence: missense variant.
Genome position (GRCh38, 1-based): chr3:53,723,971, T>C. VCF-style: chr3-53723971-T-C. GRCh37 (hg19) VCF-style: chr3-53757998-T-C.
Other names: c.2132T>C, p.Phe711Ser (NM_000720.4); c.2072T>C, p.Phe691Ser (NM_001128839.3); short protein forms F691S, F711S.
Identifiers: ClinVar variation 4885436 (VCV004885436.2).

ClinVar aggregate classification (germline): Uncertain significance (1 of 4 stars; one submission).

Submission:

Dasa
Classification: Uncertain significance. Last evaluated: 2026-01-20. Review status: criteria provided, single submitter. Criteria: DASA Assertion Criteria. Collection method: clinical testing. Allele origin: germline.
Comment: NM_001128840.3(CACNA1D):c.2072T>C (p.Phe691Ser) is a missense variant that results in the substitution of phenylalanine with serine. The affected residue or protein region has prior evidence supporting clinical relevance. This variant is absent from population databases. Computational prediction algorithms are consistent with a deleterious effect. The currently available literature and clinical evidence are not sufficient to establish a definitive association between this variant and the reported condition. Therefore, this variant is classified as a variant of uncertain significance.